The following is an entry in ClinVar:

NM_001385641.1(SAMD11):c.1648G>C (p.Gly550Arg)

Gene: SAMD11 (sterile alpha motif domain containing 11; plus strand). Cytogenetic location: 1p36.33.
Variant type: single nucleotide variant.
Coding change: c.1648G>C on transcript NM_001385641.1 (MANE Select); coding-DNA position 1648, G replaced by C.
Protein change: p.Gly550Arg; replaces glycine 550 with arginine.
Molecular consequence: missense variant.
Genome position (GRCh38, 1-based): chr1:942,653, G>C. VCF-style: chr1-942653-G-C. GRCh37 (hg19) VCF-style: chr1-878033-G-C.
Other names: c.1651G>C, p.Gly551Arg (NM_001385640.1); c.1159G>C, p.Gly387Arg (NM_152486.4); short protein forms G387R, G550R, G551R.
Identifiers: ClinVar variation 1054853 (VCV001054853.8), dbSNP rs773665411, ClinGen allele CA502982.

ClinVar aggregate classification (germline): Uncertain significance. Review status: criteria provided, single submitter (1 of 4 stars). 2 submissions from 2 submitters: Uncertain significance (1). 1 of the submissions does not count toward it. Last evaluated 2024-10-16.

Conditions:
Retinal dystrophy. Also called: Inherited retinal dystrophy. Identifiers: Orphanet 71862, MedGen C0854723, MeSH D058499, MONDO:0019118, HP:0000556.

Allele frequency attached by ClinVar (database versions not stated): gnomAD exomes 0.00001; TOPMed 0.00002; gnomAD 0.00003.
gnomAD v4.1: 21 of 1,434,172 alleles (0.0015%); highest among the groups gnomAD compares: Admixed American, 0.0029%; no homozygotes.

Submissions (2):

Labcorp Genetics (formerly Invitae), Labcorp
Classification: Uncertain significance. Last evaluated: 2024-10-16. Review status: criteria provided, single submitter. Criteria: Invitae Variant Classification Sherloc (09022015). Collection method: clinical testing. Allele origin: germline.
Comment: This sequence change replaces glycine, which is neutral and non-polar, with arginine, which is basic and polar, at codon 387 of the SAMD11 protein (p.Gly387Arg). This variant is present in population databases (rs773665411, gnomAD 0.003%). This variant has not been reported in the literature in individuals affected with SAMD11-related conditions. ClinVar contains an entry for this variant (Variation ID: 1054853). An algorithm developed to predict the effect of missense changes on protein structure and function (PolyPhen-2) suggests that this variant is likely to be tolerated. In summary, the available evidence is currently insufficient to determine the role of this variant in disease. Therefore, it has been classified as a Variant of Uncertain Significance.

Institute of Human Genetics, Univ. Regensburg, Univ. Regensburg
Classification: Uncertain significance for Retinal dystrophy. Last evaluated: 2021-01-01. Review status: no assertion criteria provided. Criteria: ACMG Guidelines, 2015. Collection method: clinical testing. Allele origin: germline. Affected: yes. Not counted in ClinVar's aggregate classification.